The following is an entry in ClinVar:

NM_001134407.3(GRIN2A):c.*3687C>A

Gene: GRIN2A (glutamate ionotropic receptor NMDA type subunit 2A; minus strand). Cytogenetic location: 16p13.2.
Variant type: single nucleotide variant.
Coding change: c.*3687C>A on transcript NM_001134407.3 (MANE Select); 3687 bases downstream of the stop codon, C replaced by A.
Molecular consequence: 3 prime UTR variant.
Genome position (GRCh38, 1-based): chr16:9,759,462, G>T on the plus strand (C>A on the coding strand, the complement: GRIN2A is on the minus strand). VCF-style: chr16-9759462-G-T. GRCh37 (hg19) VCF-style: chr16-9853319-G-T.
Other names: c.*3687C>A (NM_000833.5); c.*3893C>A (NM_001134408.2).
Identifiers: ClinVar variation 888325 (VCV000888325.4), dbSNP rs150879081, ClinGen allele CA277532397.
Genomic context (GRCh38, chr16:9,759,462, plus strand): 5'-GCAAATAGAATAAACAATGTGTGACTATATGACAGCTGTGGATCTTTTGACTAATTAACT[G>T]CCTTGGCTAGAGTCCCATTTAAGTGAAACTATTTCATTTGTAAACAAGGTGTAATTTTCT-3'

ClinVar aggregate classification (germline): Benign (1 of 4 stars; one submission).

Conditions:
Landau-Kleffner syndrome (FESD). Also called: APHASIA, ACQUIRED, WITH EPILEPSY; EPILEPSY, FOCAL, WITH SPEECH DISORDER AND WITH OR WITHOUT MENTAL RETARDATION. Identifiers: Orphanet 1945, Orphanet 725, Orphanet 98818, MedGen C0282512, MONDO:0009509, OMIM 245570.

Allele frequency attached by ClinVar (database versions not stated): gnomAD 0.00130 and 0.00136; TOPMed 0.00133; 1000 Genomes Project 0.00240; gnomAD exomes 0.00029; 1000 Genomes Project 30x 0.00203.
gnomAD v4.1: 215 of 224,952 alleles (0.096%); highest among the groups gnomAD compares: African/African-American, 0.44%; 1 homozygote.

Submission:

Illumina Laboratory Services, Illumina
Classification: Benign for Landau-Kleffner syndrome. Last evaluated: 2018-01-12. Review status: criteria provided, single submitter. Criteria: ICSL Variant Classification Criteria 13 December 2019. Collection method: clinical testing. Allele origin: germline.
Comment: This variant was observed in the ICSL laboratory as part of a predisposition screen in an ostensibly healthy population. It had not been previously curated by ICSL or reported in the Human Gene Mutation Database (HGMD: prior to June 1st, 2018), and was therefore a candidate for classification through an automated scoring system. Utilizing variant allele frequency, disease prevalence and penetrance estimates, and inheritance mode, an automated score was calculated to assess if this variant is too frequent to cause the disease. Based on the score and internal cut-off values, a variant classified as benign is not then subjected to further curation. The score for this variant resulted in a classification of benign for this disease.